The following is an entry in ClinVar:

NM_001244008.2(KIF1A):c.842T>A (p.Val281Asp)

Gene: KIF1A (kinesin family member 1A; minus strand). Cytogenetic location: 2q37.3.
Variant type: single nucleotide variant.
Coding change: c.842T>A on transcript NM_001244008.2 (MANE Select); coding-DNA position 842, T replaced by A.
Protein change: p.Val281Asp; replaces valine 281 with aspartic acid.
Molecular consequence: missense variant.
Genome position (GRCh38, 1-based): chr2:240,783,066, A>T on the plus strand (T>A on the coding strand, the complement: KIF1A is on the minus strand). VCF-style: chr2-240783066-A-T. GRCh37 (hg19) VCF-style: chr2-241722483-A-T.
Other names: c.842T>A, p.Val281Asp (NM_001320705.2, NM_001330289.2, NM_001330290.2 and 21 more transcripts); short protein forms V281D.
Identifiers: ClinVar variation 1715380 (VCV001715380.6), dbSNP rs2538258231, ClinGen allele CA351302539.

ClinVar aggregate classification (germline): Uncertain significance (1 of 4 stars; one submission).

Conditions:
Hereditary spastic paraplegia 30. Identifiers: Orphanet 101010, MedGen C5235139, MONDO:0012476.
Neuropathy, hereditary sensory, type 2C. Also called: Hereditary sensory and autonomic neuropathy type IIC; KIF1A-Related HSAN2 (HSAN2C). Identifiers: Orphanet 970, MedGen C3280168, MONDO:0013634, OMIM 614213.
Intellectual disability, autosomal dominant 9 (NESCAVS). Also called: NESCAV SYNDROME; KIF1A-Related Neurodevelopmental Disorder. Identifiers: Orphanet 662367, MedGen C5393830, MONDO:0013656, OMIM 614255.

Submission:

Labcorp Genetics (formerly Invitae), Labcorp
Classification: Uncertain significance for Hereditary spastic paraplegia 30; Neuropathy, hereditary sensory, type 2C; Intellectual disability, autosomal dominant 9. Last evaluated: 2023-10-13. Review status: criteria provided, single submitter. Criteria: Invitae Variant Classification Sherloc (09022015). Collection method: clinical testing. Allele origin: germline.
Comment: This sequence change replaces valine, which is neutral and non-polar, with aspartic acid, which is acidic and polar, at codon 281 of the KIF1A protein (p.Val281Asp). This variant is not present in population databases (gnomAD no frequency). This variant has not been reported in the literature in individuals affected with KIF1A-related conditions. ClinVar contains an entry for this variant (Variation ID: 1715380). Advanced modeling of protein sequence and biophysical properties (such as structural, functional, and spatial information, amino acid conservation, physicochemical variation, residue mobility, and thermodynamic stability) performed at Invitae indicates that this missense variant is expected to disrupt KIF1A protein function. In summary, the available evidence is currently insufficient to determine the role of this variant in disease. Therefore, it has been classified as a Variant of Uncertain Significance.